The following is an entry in ClinVar:

ClinVar aggregate classification (germline): Uncertain significance (1 of 4 stars; one submission).

Conditions:
Cardiomyopathy (CMYO). Also called: Cardiomyopathies. Identifiers: Orphanet 167848, MedGen C0878544, MONDO:0004994, HP:0001638. Inheritance: Various modes of inheritance.

Allele frequency attached by ClinVar (database versions not stated): gnomAD exomes below 0.00001.
gnomAD v4.1: 1 of 1,590,870 alleles (0.000063%); highest among the groups gnomAD compares: Non-Finnish European, 0.000086%; no homozygotes.

Submission:

Color Diagnostics, LLC DBA Color Health
Classification: Uncertain significance for Cardiomyopathy. Last evaluated: 2024-03-06. Review status: criteria provided, single submitter. Criteria: ACMG Guidelines, 2015. Collection method: clinical testing. Allele origin: germline.
Comment: This missense variant replaces valine with alanine at codon 3600 of the RYR2 protein. Computational prediction suggests that this variant may have deleterious impact on protein structure and function (internally defined REVEL score threshold >= 0.7, PMID: 27666373). To our knowledge, functional studies have not been reported for this variant. This variant has not been reported in individuals affected with RYR2-related disorders in the literature. This variant has not been identified in the general population by the Genome Aggregation Database (gnomAD). The available evidence is insufficient to determine the role of this variant in disease conclusively. Therefore, this variant is classified as a Variant of Uncertain Significance.

NM_001035.3(RYR2):c.10799T>C (p.Val3600Ala)

Gene: RYR2 (ryanodine receptor 2; plus strand). Cytogenetic location: 1q43.
Variant type: single nucleotide variant.
Coding change: c.10799T>C on transcript NM_001035.3 (MANE Select); coding-DNA position 10799, T replaced by C.
Protein change: p.Val3600Ala; replaces valine 3600 with alanine.
Molecular consequence: missense variant.
Genome position (GRCh38, 1-based): chr1:237,727,160, T>C. VCF-style: chr1-237727160-T-C. GRCh37 (hg19) VCF-style: chr1-237890460-T-C.
Other names: short protein forms V3600A.
Identifiers: ClinVar variation 2774380 (VCV002774380.2), dbSNP rs2526999942, ClinGen allele CA345416944.
Genomic context (GRCh38, chr1:237,727,160, plus strand): 5'-AGAGATCTAAAAAGGCTGTATGGCATAAACTACTGTCCAAGCAGAGGAAAAGGGCTGTTG[T>C]AGCCTGCTTCCGGATGGCCCCCTTATATAATCTGCCAAGGTCGGAATTACTTTATTTTTT-3'
Protein context (NP_001026.2, residues 3590-3610): LLSKQRKRAV[Val3600Ala]ACFRMAPLYN